The following is an entry in ClinVar:

ClinVar aggregate classification (germline): Likely benign (1 of 4 stars; one submission).

gnomAD v4.1: 31 of 1,614,040 alleles (0.0019%); highest among the groups gnomAD compares: Non-Finnish European, 0.0025%; no homozygotes.

Submission:

Mayo Clinic Laboratories, Mayo Clinic
Classification: Likely benign. Last evaluated: 2025-06-25. Review status: criteria provided, single submitter. Criteria: ACMG Guidelines, 2015. Collection method: clinical testing. Allele origin: germline. Observed: 1 variant allele.
Comment: BP4, BP7

NM_031443.4(CCM2):c.678C>T (p.Ile226=)

Gene: CCM2 (CCM2 scaffold protein; plus strand). Cytogenetic location: 7p13.
Variant type: single nucleotide variant.
Coding change: c.678C>T on transcript NM_031443.4 (MANE Select); coding-DNA position 678, C replaced by T.
Protein change: p.Ile226=; no amino-acid change (isoleucine 226 retained).
Molecular consequence: synonymous variant. On other transcripts: non-coding transcript variant (1), intron variant (1).
Genome position (GRCh38, 1-based): chr7:45,069,894, C>T. VCF-style: chr7-45069894-C-T. GRCh37 (hg19) VCF-style: chr7-45109493-C-T.
Other names: p.Ile226=; c.741C>T, p.Ile247= (NM_001029835.2); c.504C>T, p.Ile168= (NM_001167934.2, NM_001363459.2); c.678C>T, p.Ile226= (NM_001363458.2); c.473-2832C>T (NM_001167935.2).
Identifiers: ClinVar variation 4683266 (VCV004683266.1).